The following is an entry in ClinVar:

ClinVar aggregate classification (germline): Conflicting classifications of pathogenicity. Review status: criteria provided, conflicting classifications (1 of 4 stars). 3 submissions from 3 submitters: Pathogenic (1); Uncertain significance (2). Last evaluated 2023-11-02.

Conditions:
Malignant hyperthermia, susceptibility to, 1 (MHS1). Also called: RYR1-Related Malignant Hyperthermia Susceptibility; Malignant hyperthermia suceptibility 1; Anesthesia related hyperthermia; Malignant hyperpyrexia; Fulminating hyperpyrexia; Pharmacogenic myopathy. Identifiers: Orphanet 423, MedGen C2930980, MONDO:0007783, OMIM 145600.

Submissions (3):

All of Us Research Program, National Institutes of Health
Classification: Uncertain significance for Malignant hyperthermia, susceptibility to, 1. Last evaluated: 2023-11-02. Review status: criteria provided, single submitter. Criteria: ACMG Guidelines, 2015. Collection method: clinical testing. Allele origin: germline. Inheritance: Autosomal dominant inheritance. Observed: 1 variant allele, 1 heterozygote.
Comment: This variant inserts 19 nucleotides in exon 50 of the RYR1 gene, creating a frameshift and premature translation stop signal. This variant is expected to result in an absent or non-functional protein product. To our knowledge, this variant has not been reported in individuals affected with RYR1-related disorders in the literature. This variant has not been identified in the general population by the Genome Aggregation Database (gnomAD). Loss of RYR1 function due to truncation variants is not an established disease mechanism for autosomal dominant malignant hyperthermia, although it is associated with other phenotype(s) (ClinVar variation ID: 987227). Due to insufficient evidence, this variant is classified as a Variant of Uncertain Significance for autosomal dominant malignant hyperthermia.

This study involves interpretation of variants in research participants for the purpose of population health screening. Participant phenotype was not available at the time of variant classification. Additional details can be found in publication PMID: 35346344, PMCID: PMC8962531

Color Diagnostics, LLC DBA Color Health
Classification: Uncertain significance for Malignant hyperthermia, susceptibility to, 1. Last evaluated: 2023-10-16. Review status: criteria provided, single submitter. Criteria: ACMG Guidelines, 2015. Collection method: clinical testing. Allele origin: germline.
Comment: This variant inserts 19 nucleotides in exon 50 of the RYR1 gene, creating a frameshift and premature translation stop signal. This variant is expected to result in an absent or non-functional protein product. To our knowledge, this variant has not been reported in individuals affected with RYR1-related disorders in the literature. This variant has not been identified in the general population by the Genome Aggregation Database (gnomAD). Loss of RYR1 function due to truncation variants is not an established disease mechanism for autosomal dominant malignant hyperthermia, although it is associated with other phenotype(s) (ClinVar variation ID: 987227). Due to insufficient evidence, this variant is classified as a Variant of Uncertain Significance for autosomal dominant malignant hyperthermia.

Institute of Medical Genetics and Applied Genomics, University Hospital Tübingen
Classification: Pathogenic. Last evaluated: 2020-10-23. Review status: criteria provided, single submitter. Criteria: ACMG Guidelines, 2015. Collection method: clinical testing. Allele origin: germline. Inheritance: Unknown mechanism. Affected: yes.

NM_000540.3(RYR1):c.8046_8064dup (p.Lys2689delinsLeuTer)

Gene: RYR1 (ryanodine receptor 1; plus strand). Cytogenetic location: 19q13.2.
Variant type: Duplication.
Coding change: c.8046_8064dup on transcript NM_000540.3 (MANE Select); coding-DNA positions 8046 to 8064, 19 bases duplicated (CTTTGACTCTCTGGCCCAT).
Protein change: p.Lys2689delinsLeuTer.
Molecular consequence: nonsense.
Genome position (GRCh38, 1-based): chr19:38,504,339-38,504,357, CTTTGACTCTCTGGCCCAT duplicated; duplicating any 19 consecutive bases within chr19:38,504,336-38,504,357 gives the same sequence; the c. name uses the placement nearest the transcript's 3' end. VCF-style (leftmost placement, unchanged base first): chr19-38504335-G-GCATCTTTGACTCTCTGGCC. GRCh37 (hg19) VCF-style: chr19-38994975-G-GCATCTTTGACTCTCTGGCC.
Other names: c.8046_8064dup, p.Lys2689delinsLeuTer (NM_001042723.2).
Identifiers: ClinVar variation 987227 (VCV000987227.4), dbSNP rs1970341946, ClinGen allele CA1139666425.
Genomic context (GRCh38, chr19:38,504,335, plus strand): 5'-GGGCCAACTTCGGGGTCACCTCAGAGGAGGAGCTGCACCTCACACGGAAACTCTTCTGGG[G>GCATCTTTGACTCTCTGGCC]CATCTTTGACTCTCTGGCCCATAAGGTCTGGGCAGCAGGGAGCCCCAAAATGGCCTATGT-3'